The following is an entry in ClinVar:

NM_000093.5(COL5A1):c.2744C>T (p.Thr915Met)

Gene: COL5A1 (collagen type V alpha 1 chain; plus strand). Cytogenetic location: 9q34.3.
Variant type: single nucleotide variant.
Coding change: c.2744C>T on transcript NM_000093.5 (MANE Select); coding-DNA position 2744, C replaced by T.
Protein change: p.Thr915Met; replaces threonine 915 with methionine.
Molecular consequence: missense variant.
Genome position (GRCh38, 1-based): chr9:134,795,125, C>T. VCF-style: chr9-134795125-C-T. GRCh37 (hg19) VCF-style: chr9-137686971-C-T.
Other names: c.2744C>T, p.Thr915Met (NM_001278074.1); c.2744C>T (NM_000093.3); short protein forms T915M.
Identifiers: ClinVar variation 529242 (VCV000529242.12), dbSNP rs771090557, ClinGen allele CA5319560.
Genomic context (GRCh38, chr9:134,795,125, plus strand): 5'-CCCTTCTCTGATTCTAGGGGACCCCTGGAAAGCCAGGACCGCGGGGGCAGCGAGGCCCAA[C>T]GGTAACCACCCTTTCAGCTTGTGGGCATGTTTGGGAAACGGGAGCATGGTTTAGGGAGCA-3'
Protein context (NP_000084.3, residues 905-925): KPGPRGQRGP[Thr915Met]GPRGERGPRG

ClinVar aggregate classification (germline): Conflicting classifications of pathogenicity. Review status: criteria provided, conflicting classifications (1 of 4 stars). 4 submissions from 4 submitters: Uncertain significance (3); Likely benign (1). Last evaluated 2026-03-17.

Conditions:
Familial thoracic aortic aneurysm and aortic dissection (TAAD). Also called: Thoracic aortic aneurysms and dissections. Identifiers: Orphanet 91387, MedGen C4707243, MONDO:0019625.
Ehlers-Danlos syndrome, classic type, 1 (EDSCL1). Also called: Ehlers-Danlos syndrome, type 1; EHLERS-DANLOS SYNDROME, GRAVIS TYPE; EHLERS-DANLOS SYNDROME, SEVERE CLASSIC TYPE; Ehlers-Danlos Syndrome, Classic Type, COL5A1-Related; EDS I. Identifiers: MedGen C0268335, MONDO:0019567, OMIM 130000.

Allele frequency attached by ClinVar (database versions not stated): gnomAD 0.00001; gnomAD exomes 0.00002 and 0.00004; TOPMed 0.00002; ExAC 0.00004.
gnomAD v4.1: 30 of 1,613,882 alleles (0.0019%); highest among the groups gnomAD compares: Admixed American, 0.0083%; no homozygotes.

Submissions (4):

GeneDx
Classification: Uncertain significance. Last evaluated: 2026-03-17. Review status: criteria provided, single submitter. Criteria: GeneDx Variant Classification Process June 2021. Collection method: clinical testing. Allele origin: germline.
Comment: In silico analysis supports that this missense variant has a deleterious effect on protein structure/function; Has not been previously published as pathogenic or benign to our knowledge; Occurs in the triple helical domain at the Y position in the canonical Gly-X-Y repeat; although this variant may have an effect on normal protein folding and function, missense substitution at the Y position is not a common mechanism of disease (PMID: 22696272); This variant is associated with the following publications: (PMID: 22696272, 33206719, 35150601)

Labcorp Genetics (formerly Invitae), Labcorp
Classification: Uncertain significance for Ehlers-Danlos syndrome, classic type, 1. Last evaluated: 2026-01-01. Review status: criteria provided, single submitter. Criteria: Invitae Variant Classification Sherloc (09022015). Collection method: clinical testing. Allele origin: germline.
Comment: This sequence change replaces threonine, which is neutral and polar, with methionine, which is neutral and non-polar, at codon 915 of the COL5A1 protein (p.Thr915Met). This variant is present in population databases (rs771090557, gnomAD 0.009%). This variant has not been reported in the literature in individuals affected with COL5A1-related conditions. ClinVar contains an entry for this variant (Variation ID: 529242). Experimental studies and prediction algorithms are not available or were not evaluated, and the functional significance of this variant is currently unknown. In summary, the available evidence is currently insufficient to determine the role of this variant in disease. Therefore, it has been classified as a Variant of Uncertain Significance.

Ambry Genetics
Classification: Uncertain significance for Familial thoracic aortic aneurysm and aortic dissection. Last evaluated: 2023-09-26. Review status: criteria provided, single submitter. Criteria: Ambry Variant Classification Scheme 2023. Collection method: clinical testing. Allele origin: germline.
Comment: The p.T915M variant (also known as c.2744C>T), located in coding exon 33 of the COL5A1 gene, results from a C to T substitution at nucleotide position 2744. The threonine at codon 915 is replaced by methionine, an amino acid with similar properties. This amino acid position is highly conserved in available vertebrate species. In addition, the in silico prediction for this alteration is inconclusive. Since supporting evidence is limited at this time, the clinical significance of this alteration remains unclear.

Blueprint Genetics
Classification: Likely benign. Last evaluated: 2021-08-05. Review status: criteria provided, single submitter. Criteria: ACMG Guidelines, 2015. Collection method: clinical testing. Allele origin: germline.